The following is an entry in ClinVar:

NM_024675.4(PALB2):c.879C>G (p.Gly293=)

Gene: PALB2 (partner and localizer of BRCA2; minus strand). Cytogenetic location: 16p12.2.
Variant type: single nucleotide variant.
Coding change: c.879C>G on transcript NM_024675.4 (MANE Select); coding-DNA position 879, C replaced by G.
Protein change: p.Gly293=; no amino-acid change (glycine 293 retained).
Molecular consequence: synonymous variant.
Genome position (GRCh38, 1-based): chr16:23,635,667, G>C on the plus strand (C>G on the coding strand, the complement: PALB2 is on the minus strand). VCF-style: chr16-23635667-G-C. GRCh37 (hg19) VCF-style: chr16-23646988-G-C.
Identifiers: ClinVar variation 1116909 (VCV001116909.11), dbSNP rs1461078801, ClinGen allele CA494462063.
Genomic context (GRCh38, chr16:23,635,667, plus strand): 5'-GCCACTTTTACTTATAGCTTTATTTACAAGGAGGTTATCTGTAGAGACAGTCATTTTTTT[G>C]CCTTGTGCCTCCAAACTTACAGGTGAAGTAAATCTAATGTTTTTTAGGTCGTGAGTAGTA-3'
Protein context (NP_078951.2, residues 283-303): FTSPVSLEAQ[Gly293=]KKMTVSTDNL

ClinVar aggregate classification (germline): Benign/Likely benign. Review status: criteria provided, multiple submitters, no conflicts (2 of 4 stars). 2 submissions from 2 submitters: Benign (1); Likely benign (1). Last evaluated 2025-01-10.

Conditions:
Familial cancer of breast. Also called: hereditary breast carcinoma; BREAST CANCER, FAMILIAL; Hereditary breast cancer. Identifiers: Orphanet 227535, MedGen C0346153, MONDO:0016419, OMIM 114480. Disease mechanism: loss of function.

Submissions (2):

Myriad Genetics, Inc.
Classification: Benign for Familial cancer of breast. Last evaluated: 2025-01-10. Review status: criteria provided, single submitter. Criteria: Myriad Autosomal Dominant, Autosomal Recessive and X-Linked Classification Criteria (2023). Collection method: clinical testing. Allele origin: unknown.
Comment: This variant is considered benign. This variant is a silent/synonymous amino acid change and it is not expected to impact splicing.

Labcorp Genetics (formerly Invitae), Labcorp
Classification: Likely benign for Familial cancer of breast. Last evaluated: 2019-06-24. Review status: criteria provided, single submitter. Criteria: Invitae Variant Classification Sherloc (09022015). Collection method: clinical testing. Allele origin: germline.